The following is an entry in ClinVar:

NM_005431.2(XRCC2):c.134A>C (p.Glu45Ala)

Gene: XRCC2 (X-ray repair cross complementing 2; minus strand). Cytogenetic location: 7q36.1.
Variant type: single nucleotide variant.
Coding change: c.134A>C on transcript NM_005431.2 (MANE Select); coding-DNA position 134, A replaced by C.
Protein change: p.Glu45Ala; replaces glutamic acid 45 with alanine.
Molecular consequence: missense variant.
Genome position (GRCh38, 1-based): chr7:152,649,351, T>G on the plus strand (A>C on the coding strand, the complement: XRCC2 is on the minus strand). VCF-style: chr7-152649351-T-G. GRCh37 (hg19) VCF-style: chr7-152346436-T-G.
Other names: short protein forms E45A.
Identifiers: ClinVar variation 1770555 (VCV001770555.2), dbSNP rs2485882191, ClinGen allele CA370199354.

ClinVar aggregate classification (germline): Uncertain significance (1 of 4 stars; one submission).

Conditions:
Hereditary cancer-predisposing syndrome. Also called: Hereditary Cancer Syndrome; Hereditary neoplastic syndrome; Neoplastic Syndromes, Hereditary; Tumor predisposition. Identifiers: Orphanet 140162, MedGen C0027672, MeSH D009386, MONDO:0015356.

Submission:

Ambry Genetics
Classification: Uncertain significance for Hereditary cancer-predisposing syndrome. Last evaluated: 2021-10-13. Review status: criteria provided, single submitter. Criteria: Ambry Variant Classification Scheme 2023. Collection method: clinical testing. Allele origin: germline.
Comment: The p.E45A variant (also known as c.134A>C), located in coding exon 3 of the XRCC2 gene, results from an A to C substitution at nucleotide position 134. The glutamic acid at codon 45 is replaced by alanine, an amino acid with dissimilar properties. This amino acid position is conserved. In addition, this alteration is predicted to be deleterious by in silico analysis. Since supporting evidence is limited at this time, the clinical significance of this alteration remains unclear.